The following is an entry in ClinVar:

NM_000350.3(ABCA4):c.6389T>A (p.Met2130Lys)

Gene: ABCA4 (ATP binding cassette subfamily A member 4; minus strand). Cytogenetic location: 1p22.1.
Variant type: single nucleotide variant.
Coding change: c.6389T>A on transcript NM_000350.3 (MANE Select); coding-DNA position 6389, T replaced by A.
Protein change: p.Met2130Lys; replaces methionine 2130 with lysine.
Molecular consequence: missense variant.
Genome position (GRCh38, 1-based): chr1:94,000,926, A>T on the plus strand (T>A on the coding strand, the complement: ABCA4 is on the minus strand). VCF-style: chr1-94000926-A-T. GRCh37 (hg19) VCF-style: chr1-94466482-A-T.
Other names: c.6167T>A, p.Met2056Lys (NM_001425324.1); short protein forms M2130K, M2056K.
Identifiers: ClinVar variation 1364039 (VCV001364039.6), dbSNP rs2100993760, ClinGen allele CA341277409.

ClinVar aggregate classification (germline): Pathogenic (1 of 4 stars; one submission).

Submission:

Labcorp Genetics (formerly Invitae), Labcorp
Classification: Pathogenic. Last evaluated: 2022-09-13. Review status: criteria provided, single submitter. Criteria: Invitae Variant Classification Sherloc (09022015). Collection method: clinical testing. Allele origin: germline.
Comment: For these reasons, this variant has been classified as Pathogenic. This variant disrupts the p.Met2130 amino acid residue in ABCA4. Other variant(s) that disrupt this residue have been observed in individuals with ABCA4-related conditions (PMID: 25474345), which suggests that this may be a clinically significant amino acid residue. Algorithms developed to predict the effect of missense changes on protein structure and function (SIFT, PolyPhen-2, Align-GVGD) all suggest that this variant is likely to be disruptive. ClinVar contains an entry for this variant (Variation ID: 1364039). This missense change has been observed in individual(s) with Stargardt disease (PMID: 25474345, 26161775, 29975949). This variant is not present in population databases (gnomAD no frequency). This sequence change replaces methionine, which is neutral and non-polar, with lysine, which is basic and polar, at codon 2130 of the ABCA4 protein (p.Met2130Lys).

Literature cited by the submitters: PubMed 25474345; PubMed 26161775; PubMed 29975949.